The following is an entry in ClinVar:

NM_007289.4(MME):c.2053C>T (p.Leu685=)

Gene: MME (membrane metalloendopeptidase; plus strand). Cytogenetic location: 3q25.2.
Variant type: single nucleotide variant.
Coding change: c.2053C>T on transcript NM_007289.4 (MANE Select); coding-DNA position 2053, C replaced by T.
Protein change: p.Leu685=; no amino-acid change (leucine 685 retained).
Molecular consequence: synonymous variant.
Genome position (GRCh38, 1-based): chr3:155,172,189, C>T. VCF-style: chr3-155172189-C-T. GRCh37 (hg19) VCF-style: chr3-154889978-C-T.
Other names: p.Leu685=; c.2053C>T, p.Leu685= (NM_000902.5, NM_001354642.2, NM_001354643.1 and 2 more transcripts); c.2053C>T (NM_007289.3).
Identifiers: ClinVar variation 743444 (VCV000743444.12), dbSNP rs145715236, ClinGen allele CA2675731.

ClinVar aggregate classification (germline): Likely benign. Review status: criteria provided, multiple submitters, no conflicts (2 of 4 stars). 3 submissions from 3 submitters: Likely benign (3). Last evaluated 2025-12-01.

Allele frequency attached by ClinVar (database versions not stated): gnomAD exomes 0.00014 and 0.00033; gnomAD 0.00015 and 0.00019; TOPMed 0.00019; ESP Exome Variant Server 0.00023; ExAC 0.00027.
gnomAD v4.1: 256 of 1,610,104 alleles (0.016%); highest among the groups gnomAD compares: Non-Finnish European, 0.0034%; no homozygotes.

Submissions (3):

Labcorp Genetics (formerly Invitae), Labcorp
Classification: Likely benign. Last evaluated: 2025-12-01. Review status: criteria provided, single submitter. Criteria: Invitae Variant Classification Sherloc (09022015). Collection method: clinical testing. Allele origin: germline.

Mayo Clinic Laboratories, Mayo Clinic
Classification: Likely benign. Last evaluated: 2025-11-26. Review status: criteria provided, single submitter. Criteria: ACMG Guidelines, 2015. Collection method: clinical testing. Allele origin: germline. Observed: 1 variant allele.
Comment: BS1, BP4, BP7

GeneDx
Classification: Likely benign. Last evaluated: 2021-03-11. Review status: criteria provided, single submitter. Criteria: GeneDx Variant Classification Process June 2021. Collection method: clinical testing. Allele origin: germline. Affected: yes.